The following is an entry in ClinVar:

NM_016457.5(PRKD2):c.1009_1010del (p.Lys337fs)

Gene: PRKD2 (protein kinase D2; minus strand). Cytogenetic location: 19q13.32.
Variant type: Deletion.
Coding change: c.1009_1010del on transcript NM_016457.5 (MANE Select); coding-DNA positions 1009 to 1010, 2 bases deleted (AA; older notation c.1009_1010delAA).
Protein change: p.Lys337fs; shifts the reading frame from lysine 337.
Molecular consequence: frameshift variant.
Genome position (GRCh38, 1-based): chr19:46,700,910-46,700,911, TT deleted on the plus strand (AA on the coding strand, the reverse complement: PRKD2 is on the minus strand). VCF-style (leftmost placement, unchanged base first): chr19-46700909-CTT-C. GRCh37 (hg19) VCF-style: chr19-47204166-CTT-C.
Other names: c.1009_1010del, p.Lys337fs (NM_001079880.2, NM_001079881.2); c.538_539del, p.Lys180fs (NM_001079882.2); short protein forms K180fs, K337fs.
Identifiers: ClinVar variation 3053073 (VCV003053073.2), dbSNP rs2513784002, ClinGen allele CA2585970996.

ClinVar aggregate classification (germline): Uncertain significance (0 of 4 stars; one submission).

Conditions:
PRKD2-related disorder. Also called: PRKD2-related condition.

Allele frequency attached by ClinVar (database versions not stated): gnomAD exomes below 0.00001.

Submission:

PreventionGenetics, part of Exact Sciences
Classification: Uncertain significance for PRKD2-related condition. Last evaluated: 2023-12-29. Review status: no assertion criteria provided. Collection method: clinical testing. Allele origin: germline.
Comment: The PRKD2 c.1009_1010delAA variant is predicted to result in a frameshift and premature protein termination (p.Lys337Glufs*6). To our knowledge, this variant has not been reported in the literature or in a large population database, indicating this variant is rare. At this time, the clinical significance of this variant is uncertain due to the absence of conclusive functional and genetic evidence.